The following is an entry in ClinVar:

NM_015909.4(NBAS):c.1357G>A (p.Ala453Thr)

Gene: NBAS (NBAS subunit of NRZ tethering complex; minus strand). Cytogenetic location: 2p24.3.
Variant type: single nucleotide variant.
Coding change: c.1357G>A on transcript NM_015909.4 (MANE Select); coding-DNA position 1357, G replaced by A.
Protein change: p.Ala453Thr; replaces alanine 453 with threonine.
Molecular consequence: missense variant. On other transcripts: non-coding transcript variant (1).
Genome position (GRCh38, 1-based): chr2:15,474,309, C>T on the plus strand (G>A on the coding strand, the complement: NBAS is on the minus strand). VCF-style: chr2-15474309-C-T. GRCh37 (hg19) VCF-style: chr2-15614433-C-T.
Other names: short protein forms A453T.
Identifiers: ClinVar variation 1948088 (VCV001948088.5), dbSNP rs1023350613, ClinGen allele CA42628425.

ClinVar aggregate classification (germline): Uncertain significance (1 of 4 stars; one submission).

Allele frequency attached by ClinVar (database versions not stated): gnomAD exomes below 0.00001.
gnomAD v4.1: 2 of 1,612,894 alleles (0.00012%); highest among the groups gnomAD compares: Middle Eastern, 0.017%; no homozygotes.

Submission:

Labcorp Genetics (formerly Invitae), Labcorp
Classification: Uncertain significance. Last evaluated: 2023-08-17. Review status: criteria provided, single submitter. Criteria: Invitae Variant Classification Sherloc (09022015). Collection method: clinical testing. Allele origin: germline.
Comment: ClinVar contains an entry for this variant (Variation ID: 1948088). Advanced modeling of protein sequence and biophysical properties (such as structural, functional, and spatial information, amino acid conservation, physicochemical variation, residue mobility, and thermodynamic stability) performed at Invitae indicates that this missense variant is not expected to disrupt NBAS protein function. In summary, the available evidence is currently insufficient to determine the role of this variant in disease. Therefore, it has been classified as a Variant of Uncertain Significance. This variant has not been reported in the literature in individuals affected with NBAS-related conditions. This variant is not present in population databases (gnomAD no frequency). This sequence change replaces alanine, which is neutral and non-polar, with threonine, which is neutral and polar, at codon 453 of the NBAS protein (p.Ala453Thr).